The following is an entry in ClinVar:

NM_017739.4(POMGNT1):c.1459G>A (p.Gly487Ser)

Genes: POMGNT1 (protein O-linked mannose N-acetylglucosaminyltransferase 1 (beta 1,2-); minus strand), TSPAN1 (tetraspanin 1; plus strand). Cytogenetic location: 1p34.1.
Variant type: single nucleotide variant.
Coding change: c.1459G>A on transcript NM_017739.4 (MANE Select); coding-DNA position 1459, G replaced by A.
Protein change: p.Gly487Ser; replaces glycine 487 with serine.
Molecular consequence: missense variant.
Genome position (GRCh38, 1-based): chr1:46,192,178, C>T on the plus strand (G>A on the coding strand, the complement: POMGNT1 is on the minus strand). VCF-style: chr1-46192178-C-T. GRCh37 (hg19) VCF-style: chr1-46657850-C-T.
Other names: c.1459G>A, p.Gly487Ser (NM_001243766.2, NM_001410783.1, NM_001437653.1 and 3 more transcripts); c.1393G>A, p.Gly465Ser (NM_001290129.3, NM_001438691.1, NM_001438692.1); c.1030G>A, p.Gly344Ser (NM_001290130.2); short protein forms G465S, G487S, G344S.
Identifiers: ClinVar variation 4985910 (VCV004985910.1).

ClinVar aggregate classification (germline): Uncertain significance (1 of 4 stars; one submission).

Conditions:
POMGNT1-related disorder. Also called: POMGNT1-related condition; POMGNT1-related disorders. Identifiers: MedGen CN239299.

gnomAD v4.1: 4 of 1,614,038 alleles (0.00025%); highest among the groups gnomAD compares: Non-Finnish European, 0.00034%; no homozygotes.

Submission:

PreventionGenetics, part of Exact Sciences
Classification: Uncertain significance for POMGNT1-related condition. Last evaluated: 2024-11-16. Review status: criteria provided, single submitter. Criteria: ACMG Guidelines, 2015. Collection method: clinical testing. Allele origin: germline.
Comment: The POMGNT1 c.1459G>A variant is predicted to result in the amino acid substitution p.Gly487Ser. To our knowledge, this variant has not been reported in the literature or in a large population database (gnomAD), indicating this variant is rare. At this time, the clinical significance of this variant is uncertain due to the absence of conclusive functional and genetic evidence.